The following is an entry in ClinVar:

ClinVar aggregate classification (germline): Uncertain significance. Review status: criteria provided, single submitter (1 of 4 stars). 2 submissions from 2 submitters: Uncertain significance (1). 1 of the submissions does not count toward it. Last evaluated 2022-07-19.

Conditions:
Pyogenic bacterial infections due to MyD88 deficiency (IMD68). Also called: PYOGENIC BACTERIAL INFECTIONS, RECURRENT, DUE TO MYD88 DEFICIENCY. Identifiers: Orphanet 183713, MedGen C2677092, MONDO:0012839, OMIM 612260.

Allele frequency attached by ClinVar (database versions not stated): gnomAD 0.00001; gnomAD exomes 0.00001; TOPMed 0.00001; ExAC 0.00002.
gnomAD v4.1: 17 of 1,614,048 alleles (0.0011%); highest among the groups gnomAD compares: East Asian, 0.0045%; no homozygotes.

Submissions (2):

Labcorp Genetics (formerly Invitae), Labcorp
Classification: Uncertain significance for Pyogenic bacterial infections due to MyD88 deficiency. Last evaluated: 2022-07-19. Review status: criteria provided, single submitter. Criteria: Invitae Variant Classification Sherloc (09022015). Collection method: clinical testing. Allele origin: germline.
Comment: This sequence change creates a premature translational stop signal (p.Arg264*) in the MYD88 gene. While this is not anticipated to result in nonsense mediated decay, it is expected to disrupt the last 46 amino acid(s) of the MYD88 protein. This variant is present in population databases (rs748659894, gnomAD 0.003%). This premature translational stop signal has been observed in individual(s) with primary immunodeficiency (PMID: 31301515). ClinVar contains an entry for this variant (Variation ID: 537300). In summary, the available evidence is currently insufficient to determine the role of this variant in disease. Therefore, it has been classified as a Variant of Uncertain Significance.

OMIM
Classification: Pathogenic for IMMUNODEFICIENCY 68. Last evaluated: 2020-06-25. Review status: no assertion criteria provided. Collection method: literature only. Allele origin: germline. Not counted in ClinVar's aggregate classification.

Literature cited by the submitters: PubMed 31301515 (cited by Labcorp Genetics (formerly Invitae), Labcorp and OMIM).

NM_002468.5(MYD88):c.751C>T (p.Arg251Ter)

Gene: MYD88 (MYD88 innate immune signal transduction adaptor; plus strand). Cytogenetic location: 3p22.2.
Variant type: single nucleotide variant.
Coding change: c.751C>T on transcript NM_002468.5 (MANE Select); coding-DNA position 751, C replaced by T.
Protein change: p.Arg251Ter; replaces arginine 251 with a stop codon.
Molecular consequence: nonsense. On other transcripts: synonymous variant (5).
Genome position (GRCh38, 1-based): chr3:38,141,146, C>T. VCF-style: chr3-38141146-C-T. GRCh37 (hg19) VCF-style: chr3-38182637-C-T.
Other names: R272*; c.435C>T, p.Ser145= (NM_001172566.2); c.775C>T, p.Arg259Ter (NM_001172567.2); c.616C>T, p.Arg206Ter (NM_001172568.2); c.570C>T, p.Ser190= (NM_001172569.3); c.732C>T, p.Ser244= (NM_001365876.1); c.597C>T, p.Ser199= (NM_001365877.1); c.708C>T, p.Ser236= (NM_001374787.1); short protein forms R251*, R259*, R206*.
Identifiers: ClinVar variation 537300 (VCV000537300.5), dbSNP rs748659894, ClinGen allele CA2316225.
Genomic context (GRCh38, chr3:38,141,146, plus strand): 5'-CATGGGGCAAGGGCCTGATGCCAGCATGGCACCCCTTGGCTTGCAGGTGCCCATCAGAAG[C>T]GACTGATCCCCATCAAGTACAAGGCAATGAAGAAAGAGTTCCCCAGCATCCTGAGGTTCA-3'